The following is an entry in ClinVar:

NM_021729.6(VPS11):c.187+70_187+73del

Gene: VPS11 (VPS11 core subunit of CORVET and HOPS complexes; plus strand). Cytogenetic location: 11q23.3.
Variant type: Deletion.
Coding change: c.187+70_187+73del on transcript NM_021729.6 (MANE Select); bases 70 to 73 of the intron after coding-DNA position 187, 4 bases deleted (TTGT; older notation c.187+70_187+73delTTGT).
Molecular consequence: intron variant. On other transcripts: frameshift variant (2).
Genome position (GRCh38, 1-based): chr11:119,068,080-119,068,083, TTGT deleted; deleting any 4 consecutive bases within chr11:119,068,077-119,068,083 gives the same sequence; the c. name uses the placement nearest the transcript's 3' end. VCF-style (leftmost placement, unchanged base first): chr11-119068076-CTGTT-C. GRCh37 (hg19) VCF-style: chr11-118938787-CTGTT-C.
Other names: c.12_15del, p.Cys5fs (NM_001290185.2, NM_001378221.1); c.187+70_187+73del (NM_001378218.1, NM_001378219.1, NM_001378220.1); short protein forms C5fs.
Identifiers: ClinVar variation 2572398 (VCV002572398.1), dbSNP rs891385315, ClinGen allele CA229658590.

ClinVar aggregate classification (germline): Uncertain significance (1 of 4 stars; one submission).

Conditions:
Leukodystrophy, hypomyelinating, 12. Identifiers: Orphanet 466934, MedGen C4225247, MONDO:0014732, OMIM 616683.

Submission:

3billion
Classification: Uncertain significance for Leukodystrophy, hypomyelinating, 12. Review status: criteria provided, single submitter. Criteria: ACMG Guidelines, 2015. Collection method: clinical testing. Allele origin: unknown. Affected: yes. Observed: 1 homozygote.
Comment: The variant is not observed in the gnomAD v2.1.1 dataset. In silico tools do not predict the variant to alter splicing and produce an abnormal transcript (SpliceAI: 0.05). Therefore, this variant is classified as Uncertain significance according to the recommendation of ACMG/AMP guideline.